The following is an entry in ClinVar:

NM_025099.6(CTC1):c.1094T>C (p.Val365Ala)

Gene: CTC1 (CST telomere replication complex component 1; minus strand). Cytogenetic location: 17p13.1.
Variant type: single nucleotide variant.
Coding change: c.1094T>C on transcript NM_025099.6 (MANE Select); coding-DNA position 1094, T replaced by C.
Protein change: p.Val365Ala; replaces valine 365 with alanine.
Molecular consequence: missense variant. On other transcripts: non-coding transcript variant (1).
Genome position (GRCh38, 1-based): chr17:8,235,943, A>G on the plus strand (T>C on the coding strand, the complement: CTC1 is on the minus strand). VCF-style: chr17-8235943-A-G. GRCh37 (hg19) VCF-style: chr17-8139261-A-G.
Other names: short protein forms V365A.
Identifiers: ClinVar variation 937190 (VCV000937190.9), dbSNP rs763967881, ClinGen allele CA8372458.

ClinVar aggregate classification (germline): Uncertain significance (1 of 4 stars; one submission).

Conditions:
Dyskeratosis congenita. Identifiers: Orphanet 1775, MedGen C0265965, MONDO:0015780.

Allele frequency attached by ClinVar (database versions not stated): ExAC 0.00001; gnomAD exomes 0.00001.
gnomAD v4.1: 3 of 1,608,688 alleles (0.00019%); highest among the groups gnomAD compares: South Asian, 0.0033%; no homozygotes.

Submission:

Labcorp Genetics (formerly Invitae), Labcorp
Classification: Uncertain significance for Dyskeratosis congenita. Last evaluated: 2019-07-22. Review status: criteria provided, single submitter. Criteria: Invitae Variant Classification Sherloc (09022015). Collection method: clinical testing. Allele origin: germline.
Comment: The frequency data for this variant in the population databases is considered unreliable, as metrics indicate poor data quality at this position in the ExAC database. This sequence change replaces valine with alanine at codon 365 of the CTC1 protein (p.Val365Ala). The valine residue is highly conserved and there is a small physicochemical difference between valine and alanine. This variant has not been reported in the literature in individuals with CTC1-related conditions. In summary, the available evidence is currently insufficient to determine the role of this variant in disease. Therefore, it has been classified as a Variant of Uncertain Significance. Algorithms developed to predict the effect of missense changes on protein structure and function are either unavailable or do not agree on the potential impact of this missense change (SIFT: "Deleterious"; PolyPhen-2: "Benign"; Align-GVGD: "Class C0").